The following is an entry in ClinVar:

ClinVar aggregate classification (germline): Uncertain significance. Review status: criteria provided, multiple submitters, no conflicts (2 of 4 stars). 2 submissions from 2 submitters: Uncertain significance (2). Last evaluated 2026-03-19.

Conditions:
Familial episodic pain syndrome with predominantly lower limb involvement. Also called: Episodic pain syndrome, familial, 3. Identifiers: Orphanet 391384, Orphanet 391392, MedGen C3809899, MONDO:0014247, OMIM 615552.
Hereditary sensory and autonomic neuropathy type 7. Also called: HSAN VII; Neuropathy, hereditary sensory and autonomic, type VII. Identifiers: Orphanet 391397, MedGen C3809882, MONDO:0014244, OMIM 615548.
SCN11A-related disorder. Also called: SCN11A-related condition.

Allele frequency attached by ClinVar (database versions not stated): gnomAD exomes below 0.00001; ExAC 0.00001; TOPMed 0.00002; gnomAD 0.00003; ESP Exome Variant Server 0.00008.
gnomAD v4.1: 4 of 1,613,900 alleles (0.00025%); highest among the groups gnomAD compares: Non-Finnish European, 0.00034%; no homozygotes.

Submissions (2):

PreventionGenetics, part of Exact Sciences
Classification: Uncertain significance for SCN11A-related condition. Last evaluated: 2026-03-19. Review status: criteria provided, single submitter. Criteria: ACMG Guidelines, 2015. Collection method: clinical testing. Allele origin: germline.
Comment: The SCN11A c.5051A>T variant is predicted to result in the amino acid substitution p.Asp1684Val. To our knowledge, this variant has not been reported in the literature. This variant is reported in 0.0016% of alleles in individuals of European (Non-Finnish) descent in gnomAD. At this time, the clinical significance of this variant is uncertain due to the absence of conclusive functional and genetic evidence.

Labcorp Genetics (formerly Invitae), Labcorp
Classification: Uncertain significance for Familial episodic pain syndrome with predominantly lower limb involvement; Hereditary sensory and autonomic neuropathy type 7. Last evaluated: 2025-08-03. Review status: criteria provided, single submitter. Criteria: Invitae Variant Classification Sherloc (09022015). Collection method: clinical testing. Allele origin: germline.
Comment: This sequence change replaces aspartic acid, which is acidic and polar, with valine, which is neutral and non-polar, at codon 1684 of the SCN11A protein (p.Asp1684Val). This variant is present in population databases (rs370826330, gnomAD 0.002%). This variant has not been reported in the literature in individuals affected with SCN11A-related conditions. ClinVar contains an entry for this variant (Variation ID: 972941). Invitae Evidence Modeling of protein sequence and biophysical properties (such as structural, functional, and spatial information, amino acid conservation, physicochemical variation, residue mobility, and thermodynamic stability) indicates that this missense variant is expected to disrupt SCN11A protein function with a positive predictive value of 80%. In summary, the available evidence is currently insufficient to determine the role of this variant in disease. Therefore, it has been classified as a Variant of Uncertain Significance.

NM_001349253.2(SCN11A):c.5051A>T (p.Asp1684Val)

Gene: SCN11A (sodium voltage-gated channel alpha subunit 11; minus strand). Cytogenetic location: 3p22.2.
Variant type: single nucleotide variant.
Coding change: c.5051A>T on transcript NM_001349253.2 (MANE Select); coding-DNA position 5051, A replaced by T.
Protein change: p.Asp1684Val; replaces aspartic acid 1684 with valine.
Molecular consequence: missense variant.
Genome position (GRCh38, 1-based): chr3:38,847,019, T>A on the plus strand (A>T on the coding strand, the complement: SCN11A is on the minus strand). VCF-style: chr3-38847019-T-A. GRCh37 (hg19) VCF-style: chr3-38888510-T-A.
Other names: c.5051A>T, p.Asp1684Val (NM_014139.3); short protein forms D1684V.
Identifiers: ClinVar variation 972941 (VCV000972941.8), dbSNP rs370826330, ClinGen allele CA2321412.